The following is an entry in ClinVar:

NM_017780.4(CHD7):c.967G>A (p.Val323Ile)

Gene: CHD7 (chromodomain helicase DNA binding protein 7; plus strand). Cytogenetic location: 8q12.2.
Variant type: single nucleotide variant.
Coding change: c.967G>A on transcript NM_017780.4 (MANE Select); coding-DNA position 967, G replaced by A.
Protein change: p.Val323Ile; replaces valine 323 with isoleucine.
Molecular consequence: missense variant.
Genome position (GRCh38, 1-based): chr8:60,742,399, G>A. VCF-style: chr8-60742399-G-A. GRCh37 (hg19) VCF-style: chr8-61654958-G-A.
Other names: c.967G>A, p.Val323Ile (NM_001316690.1); short protein forms V323I.
Identifiers: ClinVar variation 2171922 (VCV002171922.4), dbSNP rs1809087487, ClinGen allele CA371300290.

ClinVar aggregate classification (germline): Uncertain significance (1 of 4 stars; one submission).

Conditions:
CHARGE syndrome (CHARGE). Also called: Hittner Hirsch Kreh syndrome; CHARGE ASSOCIATION--COLOBOMA, HEART ANOMALY, CHOANAL ATRESIA, RETARDATION, GENITAL AND EAR ANOMALIES; Coloboma, heart anomaly, choanal atresia, retardation, genital and ear anomalies; CHARGE association; Hall-Hittner syndrome. Identifiers: Orphanet 138, MedGen C0265354, MONDO:0008965.

Allele frequency attached by ClinVar (database versions not stated): TOPMed below 0.00001; gnomAD 0.00001.
gnomAD v4.1: 1 of 1,613,866 alleles (0.000062%); highest among the groups gnomAD compares: Non-Finnish European, 0.000085%; no homozygotes.

Submission:

Labcorp Genetics (formerly Invitae), Labcorp
Classification: Uncertain significance for CHARGE syndrome. Last evaluated: 2022-01-03. Review status: criteria provided, single submitter. Criteria: Invitae Variant Classification Sherloc (09022015). Collection method: clinical testing. Allele origin: germline.
Comment: In summary, the available evidence is currently insufficient to determine the role of this variant in disease. Therefore, it has been classified as a Variant of Uncertain Significance. Advanced modeling of protein sequence and biophysical properties (such as structural, functional, and spatial information, amino acid conservation, physicochemical variation, residue mobility, and thermodynamic stability) performed at Invitae indicates that this missense variant is not expected to disrupt CHD7 protein function. This sequence change replaces valine, which is neutral and non-polar, with isoleucine, which is neutral and non-polar, at codon 323 of the CHD7 protein (p.Val323Ile). This variant is not present in population databases (gnomAD no frequency). This variant has not been reported in the literature in individuals affected with CHD7-related conditions.